The following is an entry in ClinVar:

ClinVar aggregate classification (germline): Pathogenic/Likely pathogenic. Review status: criteria provided, multiple submitters, no conflicts (2 of 4 stars). 7 submissions from 7 submitters: Pathogenic (3); Likely pathogenic (3). 1 of the submissions does not count toward it. Last evaluated 2025-03-17.

Conditions:
Peroxisome biogenesis disorder. Identifiers: Orphanet 79189, MedGen C1832200, MONDO:0019234. Disease mechanism: loss of function.
Zellweger spectrum disorders (ZS). Also called: Zellweger Spectrum Disorder; Zellweger Spectrum; Zellweger syndrome; Zellweger Spectrum Disorder (ZSD). Identifiers: Orphanet 912, MedGen C0043459, MONDO:0019609.
Cholestasis. Identifiers: MedGen C0008370, MONDO:0001751, HP:0001396.
Heimler syndrome 2 (HMLR2). Also called: PEROXISOME BIOGENESIS DISORDER 4C. Identifiers: Orphanet 3220, MedGen C4225267, OMIM 616617, MONDO:0014709.
Peroxisome biogenesis disorder 4B (PBD4B). Also called: SPINOCEREBELLAR ATAXIA WITH BLINDNESS AND DEAFNESS 1. Identifiers: Orphanet 44, Orphanet 95433, MedGen C3553937, MONDO:0013931, OMIM 614863.

Allele frequency attached by ClinVar (database versions not stated): gnomAD 0.00001; TOPMed 0.00001; gnomAD exomes 0.00003.

Submissions (7):

Labcorp Genetics (formerly Invitae), Labcorp
Classification: Pathogenic for Peroxisome biogenesis disorder. Last evaluated: 2025-03-17. Review status: criteria provided, single submitter. Criteria: Invitae Variant Classification Sherloc (09022015). Collection method: clinical testing. Allele origin: germline.
Comment: This sequence change creates a premature translational stop signal (p.Trp91*) in the PEX6 gene. It is expected to result in an absent or disrupted protein product. Loss-of-function variants in PEX6 are known to be pathogenic (PMID: 10408779, 21031596, 31831025). This variant is not present in population databases (gnomAD no frequency). This variant has not been reported in the literature in individuals affected with PEX6-related conditions. ClinVar contains an entry for this variant (Variation ID: 498713). For these reasons, this variant has been classified as Pathogenic.

Natera, Inc.
Classification: Likely pathogenic for Zellweger syndrome. Last evaluated: 2025-02-17. Review status: criteria provided, single submitter. Criteria: Natera Variant Classification Schema (03/2026). Collection method: clinical testing. Allele origin: germline.
Comment: The c.273G>A variant in PEX6 is a nonsense variant predicted to introduce a stop codon at amino acid 91. This variant is expected to result in nonsense mediated decay, truncation, or a dysfunctional protein product. This variant is rare in the general population with a frequency below the threshold expected for the associated phenotype(s). This variant has been observed in one or more individuals affected with the associated recessive disease, as either homozygous or compound heterozygous with a second variant (PMID: 26275793). Given the available evidence, this variant is classified as Likely Pathogenic.

Institute Of Liver Studies, NHS South East Genomic Laboratory Hub
Classification: Pathogenic for Cholestasis. Last evaluated: 2024-06-14. Review status: criteria provided, single submitter. Criteria: ACGS Best Practice Guidelines for Variant Classification in Rare Disease 2020. Collection method: clinical testing. Allele origin: germline. Affected: yes.

Baylor Genetics
Classification: Likely pathogenic for Heimler syndrome 2. Last evaluated: 2023-05-08. Review status: criteria provided, single submitter. Criteria: ACMG Guidelines, 2015. Collection method: clinical testing. Allele origin: unknown.

Undiagnosed Diseases Network, NIH
Classification: Likely pathogenic for Peroxisome biogenesis disorder 4B. Last evaluated: 2018-09-06. Review status: criteria provided, single submitter. Criteria: ACMG Guidelines, 2015. Collection method: clinical testing. Allele origin: paternal. Inheritance: Autosomal recessive inheritance. Affected: yes. Observed: 1 variant allele, 1 compound heterozygote.

Eurofins Ntd Llc (ga)
Classification: Pathogenic. Last evaluated: 2016-12-06. Review status: criteria provided, single submitter. Criteria: EGL Classification Definitions 2015. Collection method: clinical testing. Allele origin: germline.

Counsyl
Classification: Likely pathogenic for Peroxisome biogenesis disorder 4B. Last evaluated: 2018-01-12. Review status: no assertion criteria provided. Collection method: clinical testing. Allele origin: unknown. Not counted in ClinVar's aggregate classification.

Literature cited by the submitters: PubMed 10408779 (cited by Labcorp Genetics (formerly Invitae), Labcorp); PubMed 21031596 (cited by Labcorp Genetics (formerly Invitae), Labcorp); PubMed 31831025 (cited by Labcorp Genetics (formerly Invitae), Labcorp); PubMed 26275793 (cited by Natera, Inc. and Counsyl).

NM_000287.4(PEX6):c.273G>A (p.Trp91Ter)

Gene: PEX6 (peroxisomal biogenesis factor 6; minus strand). Cytogenetic location: 6p21.1.
Variant type: single nucleotide variant.
Coding change: c.273G>A on transcript NM_000287.4 (MANE Select); coding-DNA position 273, G replaced by A.
Protein change: p.Trp91Ter; replaces tryptophan 91 with a stop codon.
Molecular consequence: nonsense. On other transcripts: non-coding transcript variant (1).
Genome position (GRCh38, 1-based): chr6:42,978,878, C>T on the plus strand (G>A on the coding strand, the complement: PEX6 is on the minus strand). VCF-style: chr6-42978878-C-T. GRCh37 (hg19) VCF-style: chr6-42946616-C-T.
Other names: c.273G>A, p.Trp91Ter (NM_001316313.2); short protein forms W91*.
Identifiers: ClinVar variation 498713 (VCV000498713.18), dbSNP rs1010184002, ClinGen allele CA138238569.